The following is an entry in ClinVar:

ClinVar aggregate classification (germline): Uncertain significance (1 of 4 stars; one submission).

Submission:

Quest Diagnostics Nichols Institute San Juan Capistrano
Classification: Uncertain significance. Last evaluated: 2023-12-01. Review status: criteria provided, single submitter. Criteria: Quest Diagnostics criteria. Collection method: clinical testing. Allele origin: unknown.
Comment: The BRIP1 c.223G>C (p.Gly75Arg) variant has not been reported in individuals with BRIP1-related conditions in the published literature. It also has not been reported in large, multi-ethnic general populations (Genome Aggregation Database). Analysis of this variant using bioinformatics tools for the prediction of the effect of amino acid changes on protein structure and function yielded predictions that this variant is benign. Based on the available information, we are unable to determine the clinical significance of this variant.

NM_032043.3(BRIP1):c.223G>C (p.Gly75Arg)

Gene: BRIP1 (BRCA1 interacting DNA helicase 1; minus strand). Cytogenetic location: 17q23.2.
Variant type: single nucleotide variant.
Coding change: c.223G>C on transcript NM_032043.3 (MANE Select); coding-DNA position 223, G replaced by C.
Protein change: p.Gly75Arg; replaces glycine 75 with arginine.
Molecular consequence: missense variant.
Genome position (GRCh38, 1-based): chr17:61,857,214, C>G on the plus strand (G>C on the coding strand, the complement: BRIP1 is on the minus strand). VCF-style: chr17-61857214-C-G. GRCh37 (hg19) VCF-style: chr17-59934575-C-G.
Other names: short protein forms G75R.
Identifiers: ClinVar variation 3572314 (VCV003572314.1).
Genomic context (GRCh38, chr17:61,857,214, plus strand): 5'-AATCCTTTGAATGGCATGCACAACAACATGACAATTGTACTTCAGCTTTTTCACTTACGC[C>G]CTCATCTGCTGGTTTCCCTAAAAATGAAAGAACATCTATTTATAATATATCTAATTAAAT-3'
Protein context (NP_114432.2, residues 65-85): QSLSGKPADE[Gly75Arg]VSEKAEVQLS